The following is an entry in ClinVar:

NM_006343.3(MERTK):c.669G>A (p.Pro223=)

Gene: MERTK (MER proto-oncogene, tyrosine kinase; plus strand). Cytogenetic location: 2q13.
Variant type: single nucleotide variant.
Coding change: c.669G>A on transcript NM_006343.3 (MANE Select); coding-DNA position 669, G replaced by A.
Protein change: p.Pro223=; no amino-acid change (proline 223 retained).
Molecular consequence: synonymous variant.
Genome position (GRCh38, 1-based): chr2:111,947,479, G>A. VCF-style: chr2-111947479-G-A. GRCh37 (hg19) VCF-style: chr2-112705056-G-A.
Other names: c.669G>A (NM_006343.2).
Identifiers: ClinVar variation 1144949 (VCV001144949.13), dbSNP rs750984679, ClinGen allele CA1831121.

ClinVar aggregate classification (germline): Likely benign. Review status: criteria provided, multiple submitters, no conflicts (2 of 4 stars). 5 submissions from 5 submitters: Likely benign (5). Last evaluated 2025-10-18.

Conditions:
MERTK-related disorder. Also called: MERTK-related condition.
Retinitis pigmentosa 38 (RP38). Also called: ROD-CONE DYSTROPHY, CHILDHOOD-ONSET. Identifiers: Orphanet 791, MedGen C3151228, MONDO:0013469, OMIM 613862.

Allele frequency attached by ClinVar (database versions not stated): ExAC 0.00005.
gnomAD v4.1: 58 of 1,614,022 alleles (0.0036%); highest among the groups gnomAD compares: South Asian, 0.016%; no homozygotes.

Submissions (5):

Labcorp Genetics (formerly Invitae), Labcorp
Classification: Likely benign. Last evaluated: 2025-10-18. Review status: criteria provided, single submitter. Criteria: Invitae Variant Classification Sherloc (09022015). Collection method: clinical testing. Allele origin: germline.

PreventionGenetics, part of Exact Sciences
Classification: Likely benign for MERTK-related condition. Last evaluated: 2025-09-25. Review status: criteria provided, single submitter. Criteria: ACMG Guidelines, 2015. Collection method: clinical testing. Allele origin: germline.
Comment: This variant is classified as likely benign based on ACMG/AMP sequence variant interpretation guidelines (Richards et al. 2015 PMID: 25741868, with internal and published modifications).

Blueprint Genetics
Classification: Likely benign. Last evaluated: 2024-09-18. Review status: criteria provided, single submitter. Criteria: ACMG Guidelines, 2015. Collection method: clinical testing. Allele origin: germline.

Fulgent Genetics
Classification: Likely benign for Retinitis pigmentosa 38. Last evaluated: 2021-10-30. Review status: criteria provided, single submitter. Criteria: ACMG Guidelines, 2015. Collection method: clinical testing. Allele origin: unknown.

Breakthrough Genomics
Classification: Likely benign. Review status: criteria provided, single submitter. Criteria: ACMG Guidelines, 2015. Collection method: not provided. Allele origin: germline. Inheritance: Autosomal recessive inheritance. Affected: yes.